The following is an entry in ClinVar:

NM_021020.5(LZTS1):c.941G>A (p.Gly314Asp)

Gene: LZTS1 (leucine zipper tumor suppressor 1; minus strand). Cytogenetic location: 8p21.3.
Variant type: single nucleotide variant.
Coding change: c.941G>A on transcript NM_021020.5 (MANE Select); coding-DNA position 941, G replaced by A.
Protein change: p.Gly314Asp; replaces glycine 314 with aspartic acid.
Molecular consequence: missense variant.
Genome position (GRCh38, 1-based): chr8:20,252,990, C>T on the plus strand (G>A on the coding strand, the complement: LZTS1 is on the minus strand). VCF-style: chr8-20252990-C-T. GRCh37 (hg19) VCF-style: chr8-20110501-C-T.
Other names: c.941G>A, p.Gly314Asp (NM_001362884.2); c.941G>A (NM_021020.2); short protein forms G314D.
Identifiers: ClinVar variation 2697352 (VCV002697352.4), dbSNP rs776604163, ClinGen allele CA4657401.

ClinVar aggregate classification (germline): Uncertain significance. Review status: criteria provided, multiple submitters, no conflicts (2 of 4 stars). 2 submissions from 2 submitters: Uncertain significance (2). Last evaluated 2025-10-14.

Allele frequency attached by ClinVar (database versions not stated): ExAC 0.00003; gnomAD exomes 0.00004.
gnomAD v4.1: 20 of 1,588,388 alleles (0.0013%); highest among the groups gnomAD compares: Admixed American, 0.033%; no homozygotes.

Submissions (2):

Labcorp Genetics (formerly Invitae), Labcorp
Classification: Uncertain significance. Last evaluated: 2025-10-14. Review status: criteria provided, single submitter. Criteria: Invitae Variant Classification Sherloc (09022015). Collection method: clinical testing. Allele origin: germline.
Comment: This sequence change replaces glycine, which is neutral and non-polar, with aspartic acid, which is acidic and polar, at codon 314 of the LZTS1 protein (p.Gly314Asp). This variant is present in population databases (rs776604163, gnomAD 0.06%), and has an allele count higher than expected for a pathogenic variant. This variant has not been reported in the literature in individuals affected with LZTS1-related conditions. ClinVar contains an entry for this variant (Variation ID: 2697352). Invitae Evidence Modeling of protein sequence and biophysical properties (such as structural, functional, and spatial information, amino acid conservation, physicochemical variation, residue mobility, and thermodynamic stability) indicates that this missense variant is not expected to disrupt LZTS1 protein function with a negative predictive value of 80%. In summary, the available evidence is currently insufficient to determine the role of this variant in disease. Therefore, it has been classified as a Variant of Uncertain Significance.

Ambry Genetics
Classification: Uncertain significance. Last evaluated: 2024-08-06. Review status: criteria provided, single submitter. Criteria: Ambry Variant Classification Scheme 2023. Collection method: clinical testing. Allele origin: germline.